The following is an entry in ClinVar:

NM_020964.3(EPG5):c.6622-10_6622-7dup

Gene: EPG5 (ectopic P-granules 5 autophagy tethering factor; minus strand). Cytogenetic location: 18q12.3.
Variant type: Duplication.
Coding change: c.6622-10_6622-7dup on transcript NM_020964.3 (MANE Select); 10 bases into the intron before coding-DNA position 6622 through 7 bases into the intron before coding-DNA position 6622, 4 bases duplicated (TTTT; older notation c.6622-10_6622-7dupTTTT).
Molecular consequence: intron variant.
Genome position (GRCh38, 1-based): chr18:45,865,766-45,865,769, AAAA duplicated on the plus strand (TTTT on the coding strand, the reverse complement: EPG5 is on the minus strand); duplicating any 4 consecutive bases within chr18:45,865,766-45,865,782 gives the same sequence; the c. name uses the placement nearest the transcript's 3' end. VCF-style (leftmost placement, unchanged base first): chr18-45865765-C-CAAAA. GRCh37 (hg19) VCF-style: chr18-43445730-C-CAAAA.
Other names: c.6622-10_6622-7dup (NM_001410858.1); c.6619-10_6619-7dup (NM_001410859.1).
Identifiers: ClinVar variation 3357211 (VCV003357211.1).
Genomic context (GRCh38, chr18:45,865,765, plus strand): 5'-TGCTGAGGAATTGAACCATCTGATGAGTAAAAGCTTGGCATTTTGGAACTGCATCCTGAC[C>CAAAA]AAAAAAAAAAAAAAAAATCATTCAAATGAATCCAAGCAAGGAGTGTTAACTGCATATTTC-3'

ClinVar aggregate classification (germline): Likely benign (0 of 4 stars; one submission).

Conditions:
EPG5-related disorder. Also called: EPG5-related condition. Identifiers: MedGen CN381528.

Submission:

PreventionGenetics, part of Exact Sciences
Classification: Likely benign for EPG5-related condition. Last evaluated: 2019-08-28. Review status: no assertion criteria provided. Collection method: clinical testing. Allele origin: germline.
Comment: This variant is classified as likely benign based on ACMG/AMP sequence variant interpretation guidelines (Richards et al. 2015 PMID: 25741868, with internal and published modifications).